The following is an entry in ClinVar:

ClinVar aggregate classification (germline): Benign. Review status: criteria provided, multiple submitters, no conflicts (2 of 4 stars). 3 submissions from 3 submitters: Benign (3). Last evaluated 2026-01-28.

Conditions:
Diaphanospondylodysostosis. Also called: VERTEBRAL OSSIFICATION, DEFECT IN, WITH NEPHROGENIC RESTS. Identifiers: Orphanet 66637, MedGen C1842691, MONDO:0011946, OMIM 608022.

Allele frequency attached by ClinVar (database versions not stated): gnomAD exomes 0.00263 and 0.00674; ExAC 0.00820; gnomAD 0.02604 and 0.02800; 1000 Genomes Project 30x 0.02701; 1000 Genomes Project 0.02736; TOPMed 0.02964; ESP Exome Variant Server 0.03022.

Submissions (3):

Labcorp Genetics (formerly Invitae), Labcorp
Classification: Benign. Last evaluated: 2026-01-28. Review status: criteria provided, single submitter. Criteria: Invitae Variant Classification Sherloc (09022015). Collection method: clinical testing. Allele origin: germline.

GeneDx
Classification: Benign. Last evaluated: 2021-05-04. Review status: criteria provided, single submitter. Criteria: GeneDx Variant Classification Process June 2021. Collection method: clinical testing. Allele origin: germline. Affected: yes.

Illumina Laboratory Services, Illumina
Classification: Benign for Diaphanospondylodysostosis. Last evaluated: 2018-01-12. Review status: criteria provided, single submitter. Criteria: ICSL Variant Classification Criteria 13 December 2019. Collection method: clinical testing. Allele origin: germline.
Comment: This variant was observed in the ICSL laboratory as part of a predisposition screen in an ostensibly healthy population. It had not been previously curated by ICSL or reported in the Human Gene Mutation Database (HGMD: prior to June 1st, 2018), and was therefore a candidate for classification through an automated scoring system. Utilizing variant allele frequency, disease prevalence and penetrance estimates, and inheritance mode, an automated score was calculated to assess if this variant is too frequent to cause the disease. Based on the score and internal cut-off values, a variant classified as benign is not then subjected to further curation. The score for this variant resulted in a classification of benign for this disease.

NM_001365308.1(BMPER):c.474G>A (p.Met158Ile)

Gene: BMPER (BMP binding endothelial regulator; plus strand). Cytogenetic location: 7p14.3.
Variant type: single nucleotide variant.
Coding change: c.474G>A on transcript NM_001365308.1 (MANE Select); coding-DNA position 474, G replaced by A.
Protein change: p.Met158Ile; replaces methionine 158 with isoleucine.
Molecular consequence: missense variant.
Genome position (GRCh38, 1-based): chr7:33,970,400, G>A. VCF-style: chr7-33970400-G-A. GRCh37 (hg19) VCF-style: chr7-34010012-G-A.
Other names: c.474G>A, p.Met158Ile (NM_133468.5); short protein forms M158I.
Identifiers: ClinVar variation 360102 (VCV000360102.16), dbSNP rs62623441, ClinGen allele CA4215079.